The following is an entry in ClinVar:

ClinVar aggregate classification (germline): Pathogenic/Likely pathogenic. Review status: criteria provided, multiple submitters, no conflicts (2 of 4 stars). 4 submissions from 4 submitters: Pathogenic (2); Likely pathogenic (1). 1 of the submissions does not count toward it. Last evaluated 2026-03-27.

Conditions:
Alport syndrome 3b, autosomal recessive. Identifiers: MedGen C5882699, MONDO:0957811, OMIM 620536.
Alport syndrome. Also called: Hemorrhagic familial nephritis; Hemorrhagic hereditary nephritis; Congenital hereditary hematuria. Identifiers: Orphanet 63, MedGen C1567741, MONDO:0018965.
Autosomal dominant Alport syndrome (ATS3A). Also called: ALPORT SYNDROME 3A, AUTOSOMAL DOMINANT; Alport syndrome dominant type; Renal failure and sensorineural hearing loss. Identifiers: Orphanet 63, Orphanet 88918, MedGen C5882663, MONDO:0007086, OMIM 104200.

Submissions (4):

Centre de Génétique Humaine, Institut de Pathologie Et de Génétique
Classification: Pathogenic for Alport syndrome 3b, autosomal recessive. Last evaluated: 2026-03-27. Review status: criteria provided, single submitter. Criteria: ACMG Guidelines, 2015. Collection method: clinical testing. Allele origin: germline. Inheritance: Autosomal recessive inheritance. Affected: yes. Observed: 2 variant alleles, 1 heterozygote, 1 homozygote. Segregation with disease observed.
Comment: This 4pb deletion is a frameshift variant predicted to result in protein truncation or nonsense mediated decay in a gene for which loss-of-function is a known mechanism of disease (PVS1). This variant is rare: allelic frequency of 0.00031% in gnomAD v4.1.0 database (PM2). Described in AR Alport Syndrome (PP5)

Natera, Inc.
Classification: Likely pathogenic for Alport syndrome. Last evaluated: 2024-09-05. Review status: criteria provided, single submitter. Criteria: Natera Variant Classification Schema (03/2026). Collection method: clinical testing. Allele origin: germline.
Comment: The c.3244_3247del variant in COL4A3 is a frameshift variant predicted to shift the reading frame beginning at codon 1082 and leads to a stop codon 71 codons downstream. This variant is expected to result in nonsense mediated decay, truncation, or a dysfunctional protein product. This variant is rare in the general population with a frequency below the threshold expected for the associated phenotype(s). Given the available evidence, this variant is classified as Likely Pathogenic.

Labcorp Genetics (formerly Invitae), Labcorp
Classification: Pathogenic. Last evaluated: 2021-12-18. Review status: criteria provided, single submitter. Criteria: Invitae Variant Classification Sherloc (09022015). Collection method: clinical testing. Allele origin: germline.
Comment: This variant is not present in population databases (gnomAD no frequency). This premature translational stop signal has been observed in individual(s) with Alport syndrome (PMID: 29854973). ClinVar contains an entry for this variant (Variation ID: 369965). For these reasons, this variant has been classified as Pathogenic. This sequence change creates a premature translational stop signal (p.Lys1082Glufs*71) in the COL4A3 gene. It is expected to result in an absent or disrupted protein product. Loss-of-function variants in COL4A3 are known to be pathogenic (PMID: 8956999, 24854265, 26809805, 27281700).

Bioscientia Institut fuer Medizinische Diagnostik GmbH, Sonic Healthcare
Classification: Pathogenic for Autosomal dominant Alport syndrome. Review status: no assertion criteria provided. Collection method: clinical testing. Allele origin: germline. Affected: yes. Not counted in ClinVar's aggregate classification.

Literature cited by the submitters: PubMed 29854973 (cited by Centre de Génétique Humaine, Institut de Pathologie Et de Génétique and Labcorp Genetics (formerly Invitae), Labcorp); PubMed 8956999 (cited by Labcorp Genetics (formerly Invitae), Labcorp); PubMed 24854265 (cited by Labcorp Genetics (formerly Invitae), Labcorp); PubMed 26809805 (cited by Labcorp Genetics (formerly Invitae), Labcorp); PubMed 27281700 (cited by Labcorp Genetics (formerly Invitae), Labcorp).

NM_000091.5(COL4A3):c.3244_3247del (p.Lys1082fs)

Genes: COL4A3 (collagen type IV alpha 3 chain; plus strand), MFF-DT (MFF divergent transcript; minus strand). Cytogenetic location: 2q36.3.
Variant type: Microsatellite.
Coding change: c.3244_3247del on transcript NM_000091.5 (MANE Select); coding-DNA positions 3244 to 3247, 4 bases deleted (AAAG; older notation c.3244_3247delAAAG).
Protein change: p.Lys1082fs; shifts the reading frame from lysine 1082.
Molecular consequence: frameshift variant.
Genome position (GRCh38, 1-based): chr2:227,293,224-227,293,227, AAAG deleted; deleting any 4 consecutive bases within chr2:227,293,219-227,293,227 gives the same sequence; the c. name uses the placement nearest the transcript's 3' end. VCF-style (leftmost placement, unchanged base first): chr2-227293218-GGAAA-G. GRCh37 (hg19) VCF-style: chr2-228157934-GGAAA-G.
Other names: p.(Lys1082Glufs*71); c.3244_3247delAAAG (NM_000091.4); c.3244_3247del (NM_000091.4); short protein forms K1082fs.
Identifiers: ClinVar variation 369965 (VCV000369965.8), dbSNP rs1057516204, ClinGen allele CA10654913.
Genomic context (GRCh38, chr2:227,293,218, plus strand): 5'-TGAGAATTTTAAAGGTATTTGACTACATTTAAGGGGGATCCAGGACTGCCGGGTGATATG[GGAAA>G]GAAAGGAGAAATGGGGCAACCTGGCCCACCTGGACATTTGGGGCCTGCTGGACCTGAGGG-3'